The following is an entry in ClinVar:

NM_000255.4(MMUT):c.1765C>T (p.Gln589Ter)

Gene: MMUT (methylmalonyl-CoA mutase; minus strand). Cytogenetic location: 6p12.3.
Variant type: single nucleotide variant.
Coding change: c.1765C>T on transcript NM_000255.4 (MANE Select); coding-DNA position 1765, C replaced by T.
Protein change: p.Gln589Ter; replaces glutamine 589 with a stop codon.
Molecular consequence: nonsense.
Genome position (GRCh38, 1-based): chr6:49,441,883, G>A on the plus strand (C>T on the coding strand, the complement: MMUT is on the minus strand). VCF-style: chr6-49441883-G-A. GRCh37 (hg19) VCF-style: chr6-49409596-G-A.
Other names: short protein forms Q589*.
Identifiers: ClinVar variation 845401 (VCV000845401.9), dbSNP rs1767285193, ClinGen allele CA364395784.

ClinVar aggregate classification (germline): Pathogenic. Review status: criteria provided, multiple submitters, no conflicts (2 of 4 stars). 2 submissions from 2 submitters: Pathogenic (2). Last evaluated 2025-10-14.

Conditions:
Methylmalonic aciduria due to complete methylmalonyl-CoA mutase deficiency.

Submissions (2):

Labcorp Genetics (formerly Invitae), Labcorp
Classification: Pathogenic. Last evaluated: 2025-10-14. Review status: criteria provided, single submitter. Criteria: Invitae Variant Classification Sherloc (09022015). Collection method: clinical testing. Allele origin: germline.
Comment: This sequence change creates a premature translational stop signal (p.Gln589*) in the MUT gene. It is expected to result in an absent or disrupted protein product. Loss-of-function variants in MUT are known to be pathogenic (PMID: 15781192). This variant is not present in population databases (gnomAD no frequency). This premature translational stop signal has been observed in individual(s) with methylmalonic aciduria due to methylmalonyl-CoA mutase deficiency (PMID: 16281286). ClinVar contains an entry for this variant (Variation ID: 845401). Algorithms developed to predict the effect of sequence changes on RNA splicing suggest that this variant may disrupt the consensus splice site. For these reasons, this variant has been classified as Pathogenic.

Natera, Inc.
Classification: Pathogenic for Methylmalonic aciduria due to complete methylmalonyl-CoA mutase deficiency. Last evaluated: 2025-08-29. Review status: criteria provided, single submitter. Criteria: Natera Variant Classification Schema (03/2026). Collection method: clinical testing. Allele origin: germline.
Comment: The c.1765C>T variant in MMUT is a nonsense variant predicted to introduce a stop codon at amino acid 589. This variant is expected to result in nonsense mediated decay, truncation, or a dysfunctional protein product. This variant is rare in the general population with a frequency below the threshold expected for the associated phenotype(s). This variant has been observed in one or more individuals affected with the associated recessive disease, as either homozygous or compound heterozygous with a second variant (PMID: 16281286). Given the available evidence, this variant is classified as Pathogenic.

Literature cited by the submitters: PubMed 15781192 (cited by Labcorp Genetics (formerly Invitae), Labcorp); PubMed 16281286 (cited by Labcorp Genetics (formerly Invitae), Labcorp and Natera, Inc.).